The following is an entry in ClinVar:

ClinVar aggregate classification (germline): Uncertain significance. Review status: criteria provided, multiple submitters, no conflicts (2 of 4 stars). 2 submissions from 2 submitters: Uncertain significance (2). Last evaluated 2026-05-07.

Conditions:
COL4A4-related disorder.

gnomAD v4.1: 22 of 1,613,190 alleles (0.0014%); highest among the groups gnomAD compares: Non-Finnish European, 0.0018%; 1 homozygote.

Submissions (2):

PreventionGenetics, part of Exact Sciences
Classification: Uncertain significance for COL4A4-related condition. Last evaluated: 2026-05-07. Review status: criteria provided, single submitter. Criteria: ACMG Guidelines, 2015. Collection method: clinical testing. Allele origin: germline.
Comment: The COL4A4 c.884T>C variant is predicted to result in the amino acid substitution p.Ile295Thr. To our knowledge, this variant has not been reported in the literature. This variant is reported in 0.0018% of alleles in individuals of European (Non-Finnish) descent in gnomAD v4.1.1 with one homozygote. The p.Ile295 residue is weakly conserved. The REVEL (rare exome variant ensemble learner) program predicts this variant is benign at a "strong" level (Ioannidis et al. 2016. PubMed ID: 27666373; Bergquist et al. 2024. PubMed ID: 39345488). Although we suspect that this variant may be benign, at this time, the clinical significance of this variant is uncertain due to the absence of conclusive functional and genetic evidence.

Labcorp Genetics (formerly Invitae), Labcorp
Classification: Uncertain significance. Last evaluated: 2025-09-08. Review status: criteria provided, single submitter. Criteria: Invitae Variant Classification Sherloc (09022015). Collection method: clinical testing. Allele origin: germline.
Comment: This sequence change replaces isoleucine, which is neutral and non-polar, with threonine, which is neutral and polar, at codon 295 of the COL4A4 protein (p.Ile295Thr). This variant is present in population databases (rs770226190, gnomAD 0.003%). This variant has not been reported in the literature in individuals affected with COL4A4-related conditions. ClinVar contains an entry for this variant (Variation ID: 3626855). Invitae Evidence Modeling of protein sequence and biophysical properties (such as structural, functional, and spatial information, amino acid conservation, physicochemical variation, residue mobility, and thermodynamic stability) indicates that this missense variant is not expected to disrupt COL4A4 protein function with a negative predictive value of 95%. In summary, the available evidence is currently insufficient to determine the role of this variant in disease. Therefore, it has been classified as a Variant of Uncertain Significance.

NM_000092.5(COL4A4):c.884T>C (p.Ile295Thr)

Gene: COL4A4 (collagen type IV alpha 4 chain; minus strand). Cytogenetic location: 2q36.3.
Variant type: single nucleotide variant.
Coding change: c.884T>C on transcript NM_000092.5 (MANE Select); coding-DNA position 884, T replaced by C.
Protein change: p.Ile295Thr; replaces isoleucine 295 with threonine.
Molecular consequence: missense variant.
Genome position (GRCh38, 1-based): chr2:227,102,835, A>G on the plus strand (T>C on the coding strand, the complement: COL4A4 is on the minus strand). VCF-style: chr2-227102835-A-G. GRCh37 (hg19) VCF-style: chr2-227967551-A-G.
Other names: short protein forms I295T.
Identifiers: ClinVar variation 3626855 (VCV003626855.3).